The following is an entry in ClinVar:

NM_001365088.1(SLC12A6):c.2741_2742insTATAAGAGACAGT (p.Trp914fs)

Gene: SLC12A6 (solute carrier family 12 member 6; minus strand). Cytogenetic location: 15q14.
Variant type: Insertion.
Coding change: c.2741_2742insTATAAGAGACAGT on transcript NM_001365088.1 (MANE Select); coding-DNA positions 2741 to 2742, TATAAGAGACAGT inserted.
Protein change: p.Trp914fs; shifts the reading frame from tryptophan 914.
Molecular consequence: frameshift variant.
Genome position: GRCh38 VCF-style: chr15-34238292-C-CACTGTCTCTTATA. GRCh37 (hg19) VCF-style: chr15-34530493-C-CACTGTCTCTTATA.
Other names: c.2564_2565insTATAAGAGACAGT, p.Trp855fs (NM_001042494.2, NM_001042495.2); c.2714_2715insTATAAGAGACAGT, p.Trp905fs (NM_001042496.2); c.2696_2697insTATAAGAGACAGT, p.Trp899fs (NM_001042497.2); c.2588_2589insTATAAGAGACAGT, p.Trp863fs (NM_005135.2); c.2741_2742insTATAAGAGACAGT, p.Trp914fs (NM_133647.2); short protein forms W855fs, W863fs, W899fs, W905fs, W914fs.
Identifiers: ClinVar variation 5011515 (VCV005011515.1).
Genomic context (GRCh38, chr15:34,238,292, plus strand): 5'-CTTGTGCTGTTTCAGTAGGAATGGTAGTAGCATAAGCATCCCCCCATCATGCACAATCCA[C>CACTGTCTCTTATA]CACACATCAATGTTGCCCTCAGAAAATTGCTCCACATTGCTGGGAAAGAAGGAGATGTTT-3'

ClinVar aggregate classification (germline): Pathogenic (1 of 4 stars; one submission).

Conditions:
Agenesis of the corpus callosum with peripheral neuropathy (ACCPN). Also called: CHARLEVOIX DISEASE; POLYNEUROPATHY, SENSORIMOTOR, WITH OR WITHOUT AGENESIS OF THE CORPUS CALLOSUM; HMSN/ACC; Hereditary Motor and Sensory Neuropathy with Agenesis of the Corpus Callosum. Identifiers: Orphanet 1496, MedGen C0795950, MONDO:0000902, OMIM 218000. Disease mechanism: loss of function.

Submission:

Myriad Genetics, Inc.
Classification: Pathogenic for Agenesis of the corpus callosum with peripheral neuropathy. Last evaluated: 2023-09-02. Review status: criteria provided, single submitter. Criteria: Myriad Autosomal Dominant, Autosomal Recessive and X-Linked Classification Criteria (2023). Collection method: clinical testing. Allele origin: unknown.
Comment: NM_133647.1(SLC12A6):c.2741_2742ins13(W914Cfs*10) is expected to be pathogenic in the context of Andermann syndrome. This variant is predicted to lead to an abnormal or absent protein product due to the creation of a premature termination codon in SLC12A6, a gene where loss-of-function variants are known to be pathogenic. Please note: this variant was assessed in the context of healthy population screening.